The following is an entry in ClinVar:

ClinVar aggregate classification (germline): Uncertain significance (1 of 4 stars; one submission).

Allele frequency attached by ClinVar (database versions not stated): gnomAD 0.00001; TOPMed 0.00002; ExAC 0.00004; ESP Exome Variant Server 0.00008.
gnomAD v4.1: 29 of 1,602,098 alleles (0.0018%); highest among the groups gnomAD compares: Admixed American, 0.0051%; no homozygotes.

Submission:

Labcorp Genetics (formerly Invitae), Labcorp
Classification: Uncertain significance. Last evaluated: 2023-09-23. Review status: criteria provided, single submitter. Criteria: Invitae Variant Classification Sherloc (09022015). Collection method: clinical testing. Allele origin: germline.
Comment: In summary, the available evidence is currently insufficient to determine the role of this variant in disease. Therefore, it has been classified as a Variant of Uncertain Significance. Advanced modeling of protein sequence and biophysical properties (such as structural, functional, and spatial information, amino acid conservation, physicochemical variation, residue mobility, and thermodynamic stability) performed at Invitae indicates that this missense variant is not expected to disrupt JAK2 protein function. This missense change has been observed in individual(s) with suspected myeloproliferative neoplasias (PMID: 19074595). This variant is present in population databases (rs374192423, gnomAD 0.01%). This sequence change replaces threonine, which is neutral and polar, with methionine, which is neutral and non-polar, at codon 514 of the JAK2 protein (p.Thr514Met).

Literature cited by the submitters: PubMed 19074595.

NM_004972.4(JAK2):c.1541C>T (p.Thr514Met)

Genes: INSL6 (insulin like 6; minus strand), JAK2 (Janus kinase 2; plus strand). Cytogenetic location: 9p24.1.
Variant type: single nucleotide variant.
Coding change: c.1541C>T on transcript NM_004972.4 (MANE Select); coding-DNA position 1541, C replaced by T.
Protein change: p.Thr514Met; replaces threonine 514 with methionine.
Molecular consequence: missense variant. On other transcripts: non-coding transcript variant (2).
Genome position (GRCh38, 1-based): chr9:5,069,952, C>T. VCF-style: chr9-5069952-C-T. GRCh37 (hg19) VCF-style: chr9-5069952-C-T.
Other names: c.1541C>T, p.Thr514Met (NM_001322194.2, NM_001322195.2, NM_001322196.2); c.326C>T, p.Thr109Met (NM_001322198.2, NM_001322199.2); c.1094C>T, p.Thr365Met (NM_001322204.2); short protein forms T109M, T365M, T514M.
Identifiers: ClinVar variation 2913779 (VCV002913779.1), dbSNP rs374192423, ClinGen allele CA4971892.
Genomic context (GRCh38, chr9:5,069,952, plus strand): 5'-TTGAAGTGATATATATGTATTTTATTTTTTCAGATAAATCAAACCTTCTAGTCTTCAGAA[C>T]GAATGGTGTTTCTGATGTACCAACCTCACCAACATTACAGAGGCCTACTCATATGAACCA-3'
Protein context (NP_004963.1, residues 504-524): KDKSNLLVFR[Thr514Met]NGVSDVPTSP